The following is an entry in ClinVar:

NM_014845.6(FIG4):c.764G>A (p.Cys255Tyr)

Gene: FIG4 (FIG4 phosphoinositide 5-phosphatase; plus strand). Cytogenetic location: 6q21.
Variant type: single nucleotide variant.
Coding change: c.764G>A on transcript NM_014845.6 (MANE Select); coding-DNA position 764, G replaced by A.
Protein change: p.Cys255Tyr; replaces cysteine 255 with tyrosine.
Molecular consequence: missense variant.
Genome position (GRCh38, 1-based): chr6:109,738,442, G>A. VCF-style: chr6-109738442-G-A. GRCh37 (hg19) VCF-style: chr6-110059645-G-A.
Other names: short protein forms C255Y.
Identifiers: ClinVar variation 1380628 (VCV001380628.11), dbSNP rs1776227536, ClinGen allele CA365220753.

ClinVar aggregate classification (germline): Uncertain significance. Review status: criteria provided, multiple submitters, no conflicts (2 of 4 stars). 3 submissions from 3 submitters: Uncertain significance (3). Last evaluated 2021-01-01.

Conditions:
Charcot-Marie-Tooth disease type 4. Also called: Charcot-Marie-Tooth disease, type IV; Charcot-Marie-Tooth, Type 4. Identifiers: Orphanet 64749, MedGen C4082197, MONDO:0018995.
Inborn genetic diseases. Identifiers: MedGen C0950123, MeSH D030342.

Allele frequency attached by ClinVar (database versions not stated): gnomAD exomes below 0.00001; TOPMed below 0.00001; gnomAD 0.00001.
gnomAD v4.1: 5 of 1,612,570 alleles (0.00031%); highest among the groups gnomAD compares: Non-Finnish European, 0.00034%; no homozygotes.

Submissions (3):

Labcorp Genetics (formerly Invitae), Labcorp
Classification: Uncertain significance for Charcot-Marie-Tooth disease type 4. Last evaluated: 2021-01-01. Review status: criteria provided, single submitter. Criteria: Invitae Variant Classification Sherloc (09022015). Collection method: clinical testing. Allele origin: germline.
Comment: In summary, the available evidence is currently insufficient to determine the role of this variant in disease. Therefore, it has been classified as a Variant of Uncertain Significance. Algorithms developed to predict the effect of missense changes on protein structure and function are either unavailable or do not agree on the potential impact of this missense change (SIFT: "Deleterious"; PolyPhen-2: "Possibly Damaging"; Align-GVGD: "Class C0"). This variant has not been reported in the literature in individuals with FIG4-related conditions. This variant is not present in population databases (ExAC no frequency). This sequence change replaces cysteine with tyrosine at codon 255 of the FIG4 protein (p.Cys255Tyr). The cysteine residue is moderately conserved and there is a large physicochemical difference between cysteine and tyrosine.

Ambry Genetics
Classification: Uncertain significance for Inborn genetic diseases. Last evaluated: 2020-04-03. Review status: criteria provided, single submitter. Criteria: Ambry Variant Classification Scheme 2023. Collection method: clinical testing. Allele origin: germline.
Comment: The p.C255Y variant (also known as c.764G>A), located in coding exon 7 of the FIG4 gene, results from a G to A substitution at nucleotide position 764. The cysteine at codon 255 is replaced by tyrosine, an amino acid with highly dissimilar properties. This amino acid position is highly conserved in available vertebrate species. In addition, this alteration is predicted to be deleterious by in silico analysis. Since supporting evidence is limited at this time, the clinical significance of this alteration remains unclear.

Blueprint Genetics
Classification: Uncertain significance. Last evaluated: 2020-03-06. Review status: criteria provided, single submitter. Criteria: ACMG Guidelines, 2015. Collection method: clinical testing. Allele origin: germline.